The following is an entry in ClinVar:

NM_001367624.2(ZNF469):c.7693C>T (p.Pro2565Ser)

Gene: ZNF469 (zinc finger protein 469; plus strand). Cytogenetic location: 16q24.2.
Variant type: single nucleotide variant.
Coding change: c.7693C>T on transcript NM_001367624.2 (MANE Select); coding-DNA position 7693, C replaced by T.
Protein change: p.Pro2565Ser; replaces proline 2565 with serine.
Molecular consequence: missense variant.
Genome position (GRCh38, 1-based): chr16:88,435,163, C>T. VCF-style: chr16-88435163-C-T. GRCh37 (hg19) VCF-style: chr16-88501571-C-T.
Other names: short protein forms P2565S.
Identifiers: ClinVar variation 1510627 (VCV001510627.6), dbSNP rs1362830522, ClinGen allele CA397114148.
Genomic context (GRCh38, chr16:88,435,163, plus strand): 5'-GACCCCAGCCACGTCACCCAGCCACCGCCTGCCCAGGGCTCAAAGGAGGTTCTCAGAGCA[C>T]CGGGGTCCCCACACAGCCAGCAGCTGCACCCTCCAAGCCCTACTGAGCATGAGGTAGATG-3'
Protein context (NP_001354553.1, residues 2555-2575): AQGSKEVLRA[Pro2565Ser]GSPHSQQLHP

ClinVar aggregate classification (germline): Uncertain significance (1 of 4 stars; one submission).

Allele frequency attached by ClinVar (database versions not stated): gnomAD 0.00001.
gnomAD v4.1: 2 of 1,550,270 alleles (0.00013%); highest among the groups gnomAD compares: Admixed American, 0.0039%; no homozygotes.

Submission:

Labcorp Genetics (formerly Invitae), Labcorp
Classification: Uncertain significance. Last evaluated: 2021-11-22. Review status: criteria provided, single submitter. Criteria: Invitae Variant Classification Sherloc (09022015). Collection method: clinical testing. Allele origin: germline.
Comment: In summary, the available evidence is currently insufficient to determine the role of this variant in disease. Therefore, it has been classified as a Variant of Uncertain Significance. Algorithms developed to predict the effect of missense changes on protein structure and function (SIFT, PolyPhen-2, Align-GVGD) all suggest that this variant is likely to be tolerated. This variant has not been reported in the literature in individuals affected with ZNF469-related conditions. This variant is present in population databases (no rsID available, gnomAD 0.004%). This sequence change replaces proline, which is neutral and non-polar, with serine, which is neutral and polar, at codon 2537 of the ZNF469 protein (p.Pro2537Ser).